The following is an entry in ClinVar:

NM_178822.5(IGSF10):c.6006T>G (p.Phe2002Leu)

Gene: IGSF10 (immunoglobulin superfamily member 10; minus strand). Cytogenetic location: 3q25.1.
Variant type: single nucleotide variant.
Coding change: c.6006T>G on transcript NM_178822.5 (MANE Select); coding-DNA position 6006, T replaced by G.
Protein change: p.Phe2002Leu; replaces phenylalanine 2002 with leucine.
Molecular consequence: missense variant. On other transcripts: 5 prime UTR variant (2).
Genome position (GRCh38, 1-based): chr3:151,438,555, A>C on the plus strand (T>G on the coding strand, the complement: IGSF10 is on the minus strand). VCF-style: chr3-151438555-A-C. GRCh37 (hg19) VCF-style: chr3-151156343-A-C.
Other names: c.-58T>G (NM_001178145.3, NM_001178146.3); c.6006T>G, p.Phe2002Leu (NM_001385060.1, NM_001385061.1, NM_001385062.1 and 1 more transcripts); c.6006T>G (NM_178822.4); short protein forms F2002L.
Identifiers: ClinVar variation 2064207 (VCV002064207.6), dbSNP rs144167004, ClinGen allele CA2669602.

ClinVar aggregate classification (germline): Uncertain significance. Review status: criteria provided, single submitter (1 of 4 stars). 2 submissions from 2 submitters: Uncertain significance (1). 1 of the submissions does not count toward it. Last evaluated 2022-09-09.

Conditions:
IGSF10-related disorder. Also called: IGSF10-related condition.

Allele frequency attached by ClinVar (database versions not stated): gnomAD exomes 0.00012; 1000 Genomes Project 0.00040; ESP Exome Variant Server 0.00062; 1000 Genomes Project 30x 0.00047; TOPMed 0.00078; gnomAD 0.00062.
gnomAD v4.1: 295 of 1,613,758 alleles (0.018%); highest among the groups gnomAD compares: African/African-American, 0.14%; no homozygotes.

Submissions (2):

Labcorp Genetics (formerly Invitae), Labcorp
Classification: Uncertain significance. Last evaluated: 2022-09-09. Review status: criteria provided, single submitter. Criteria: Invitae Variant Classification Sherloc (09022015). Collection method: clinical testing. Allele origin: germline.
Comment: In summary, the available evidence is currently insufficient to determine the role of this variant in disease. Therefore, it has been classified as a Variant of Uncertain Significance. Algorithms developed to predict the effect of missense changes on protein structure and function output the following: SIFT: "Tolerated"; PolyPhen-2: "Benign"; Align-GVGD: "Class C0". The leucine amino acid residue is found in multiple mammalian species, which suggests that this missense change does not adversely affect protein function. This variant has not been reported in the literature in individuals affected with IGSF10-related conditions. This variant is present in population databases (rs144167004, gnomAD 0.2%), and has an allele count higher than expected for a pathogenic variant. This sequence change replaces phenylalanine, which is neutral and non-polar, with leucine, which is neutral and non-polar, at codon 2002 of the IGSF10 protein (p.Phe2002Leu).

PreventionGenetics, part of Exact Sciences
Classification: Likely benign for IGSF10-related condition. Last evaluated: 2022-06-12. Review status: no assertion criteria provided. Collection method: clinical testing. Allele origin: germline. Not counted in ClinVar's aggregate classification.
Comment: This variant is classified as likely benign based on ACMG/AMP sequence variant interpretation guidelines (Richards et al. 2015 PMID: 25741868, with internal and published modifications).